The following is an entry in ClinVar:

ClinVar aggregate classification (germline): Uncertain significance (1 of 4 stars; one submission).

Submission:

CeGaT Center for Human Genetics Tuebingen
Classification: Uncertain significance. Last evaluated: 2024-02-01. Review status: criteria provided, single submitter. Criteria: CeGaT Center For Human Genetics Tuebingen Variant Classification Criteria Version 2. Collection method: clinical testing. Allele origin: germline. Affected: yes. Observed: 1 variant allele.
Comment: YLPM1: PM2, PS2:Supporting

NM_019589.3(YLPM1):c.3680G>A (p.Trp1227Ter)

Gene: YLPM1 (YLP motif containing 1; plus strand). Cytogenetic location: 14q24.3.
Variant type: single nucleotide variant.
Coding change: c.3680G>A on transcript NM_019589.3 (MANE Select); coding-DNA position 3680, G replaced by A.
Protein change: p.Trp1227Ter; replaces tryptophan 1227 with a stop codon.
Molecular consequence: nonsense. On other transcripts: intron variant (1).
Genome position (GRCh38, 1-based): chr14:74,798,977, G>A. VCF-style: chr14-74798977-G-A. GRCh37 (hg19) VCF-style: chr14-75265680-G-A.
Other names: c.2283-3579G>A (NM_001411052.1); short protein forms W1227*.
Identifiers: ClinVar variation 3027127 (VCV003027127.22), dbSNP rs2503483647, ClinGen allele CA390418325.